The following is an entry in ClinVar:

ClinVar aggregate classification (germline): Pathogenic. Review status: criteria provided, multiple submitters, no conflicts (2 of 4 stars). 2 submissions from 2 submitters: Pathogenic (2). Last evaluated 2024-06-10.

Conditions:
Curry-Hall syndrome (WAD). Also called: WEYERS ACRODENTAL DYSOSTOSIS. Identifiers: Orphanet 952, MedGen C0457013, MONDO:0008673, OMIM 193530.
Ellis-van Creveld syndrome (EVC). Also called: MESOECTODERMAL DYSPLASIA; Chondroectodermal dysplasia. Identifiers: Orphanet 289, MedGen C0013903, MONDO:0009162, OMIM 225500.

Submissions (2):

Dasa
Classification: Pathogenic. Last evaluated: 2024-06-10. Review status: criteria provided, single submitter. Criteria: DASA Assertion Criteria. Collection method: clinical testing. Allele origin: germline.
Comment: NM_147127.5(EVC2):c.1470+1dup affects a canonical splice site and is predicted to disrupt normal RNA splicing, leading to loss of normal protein function. Loss-of-function is an established mechanism of disease for this gene. This variant has been reported in individuals with related phenotype. The variant is present at low frequency in population datasets. Based on the available data, this variant is classified as pathogenic.

Labcorp Genetics (formerly Invitae), Labcorp
Classification: Pathogenic for Curry-Hall syndrome; Ellis-van Creveld syndrome. Last evaluated: 2020-12-30. Review status: criteria provided, single submitter. Criteria: Invitae Variant Classification Sherloc (09022015). Collection method: clinical testing. Allele origin: germline.
Comment: For these reasons, this variant has been classified as Pathogenic. Algorithms developed to predict the effect of sequence changes on RNA splicing suggest that this variant may create or strengthen a splice site, but this prediction has not been confirmed by published transcriptional studies. This variant has not been reported in the literature in individuals with EVC2-related conditions. This variant is not present in population databases (ExAC no frequency). This sequence change creates a premature translational stop signal (p.Ser491Valfs*46) in the EVC2 gene. It is expected to result in an absent or disrupted protein product. Loss-of-function variants in EVC2 are known to be pathogenic (PMID: 17024374, 19810119, 19876929).

Literature cited by the submitters: PubMed 17024374 (cited by Labcorp Genetics (formerly Invitae), Labcorp); PubMed 19810119 (cited by Labcorp Genetics (formerly Invitae), Labcorp); PubMed 19876929 (cited by Labcorp Genetics (formerly Invitae), Labcorp).

NM_147127.5(EVC2):c.1470+1dup

Genes: EVC2 (EvC ciliary complex subunit 2; minus strand), LOC126806961 (BRD4-independent group 4 enhancer GRCh37_chr4:5641443-5642642; plus strand). Cytogenetic location: 4p16.2.
Variant type: Duplication.
Coding change: c.1470+1dup on transcript NM_147127.5 (MANE Select); the canonical splice donor site of the intron after coding-DNA position 1470, one base duplicated (G; older notation c.1470+1dupG).
Molecular consequence: splice donor variant.
Genome position (GRCh38, 1-based): chr4:5,640,513, C duplicated on the plus strand (G on the coding strand, the reverse complement: EVC2 is on the minus strand); the first of 3 consecutive C bases (chr4:5,640,513-5,640,515); duplicating any one gives the same sequence. VCF-style (leftmost placement, unchanged base first): chr4-5640512-A-AC. GRCh37 (hg19) VCF-style: chr4-5642239-A-AC.
Other names: c.1230+1dup (NM_001166136.2).
Identifiers: ClinVar variation 1438942 (VCV001438942.8), dbSNP rs1717244500, ClinGen allele CA1435431569.